The following is an entry in ClinVar:

ClinVar aggregate classification (germline): Uncertain significance (1 of 4 stars; one submission).

Submission:

Labcorp Genetics (formerly Invitae), Labcorp
Classification: Uncertain significance. Last evaluated: 2022-04-10. Review status: criteria provided, single submitter. Criteria: Invitae Variant Classification Sherloc (09022015). Collection method: clinical testing. Allele origin: germline.
Comment: This sequence change replaces asparagine, which is neutral and polar, with serine, which is neutral and polar, at codon 208 of the ACBD5 protein (p.Asn208Ser). This variant is not present in population databases (gnomAD no frequency). This variant has not been reported in the literature in individuals affected with ACBD5-related conditions. Algorithms developed to predict the effect of missense changes on protein structure and function output the following: SIFT: "Tolerated"; PolyPhen-2: "Benign"; Align-GVGD: "Class C0". The serine amino acid residue is found in multiple mammalian species, which suggests that this missense change does not adversely affect protein function. In summary, the available evidence is currently insufficient to determine the role of this variant in disease. Therefore, it has been classified as a Variant of Uncertain Significance.

NM_145698.5(ACBD5):c.623A>G (p.Asn208Ser)

Gene: ACBD5 (acyl-CoA binding domain containing 5; minus strand). Cytogenetic location: 10p12.1.
Variant type: single nucleotide variant.
Coding change: c.623A>G on transcript NM_145698.5 (MANE Select); coding-DNA position 623, A replaced by G.
Protein change: p.Asn208Ser; replaces asparagine 208 with serine.
Molecular consequence: missense variant.
Genome position (GRCh38, 1-based): chr10:27,219,725, T>C on the plus strand (A>G on the coding strand, the complement: ACBD5 is on the minus strand). VCF-style: chr10-27219725-T-C. GRCh37 (hg19) VCF-style: chr10-27508654-T-C.
Other names: c.518A>G, p.Asn173Ser (NM_001042473.4, NM_001352577.2, NM_001352578.2 and 2 more transcripts); c.617A>G, p.Asn206Ser (NM_001271512.3, NM_001352587.1); c.296A>G, p.Asn99Ser (NM_001301251.2, NM_001301252.2, NM_001301253.2 and 3 more transcripts); c.677A>G, p.Asn226Ser (NM_001352568.1); c.656A>G, p.Asn219Ser (NM_001352569.1, NM_001352581.1); c.623A>G, p.Asn208Ser (NM_001352570.1, NM_001352588.1); c.650A>G, p.Asn217Ser (NM_001352571.1, NM_001352586.1); c.644A>G, p.Asn215Ser (NM_001352572.1); and 4 more; short protein forms N155S, N217S, N219S, N226S, N184S, N215S, N99S, N173S.
Identifiers: ClinVar variation 2076093 (VCV002076093.4), dbSNP rs2062096034, ClinGen allele CA376375983.